The following is an entry in ClinVar:

NM_014249.4(NR2E3):c.835_856del (p.Ala279fs)

Gene: NR2E3 (nuclear receptor subfamily 2 group E member 3; plus strand). Cytogenetic location: 15q23.
Variant type: Deletion.
Coding change: c.835_856del on transcript NM_014249.4 (MANE Select); coding-DNA positions 835 to 856, 22 bases deleted (GCACCGCCCGAGGCCTCTGCTG).
Protein change: p.Ala279fs; shifts the reading frame from alanine 279.
Molecular consequence: frameshift variant.
Genome position (GRCh38, 1-based): chr15:71,813,476-71,813,497, GCACCGCCCGAGGCCTCTGCTG deleted; deleting any 22 consecutive bases within chr15:71,813,467-71,813,497 gives the same sequence; the c. name uses the placement nearest the transcript's 3' end. VCF-style (leftmost placement, unchanged base first): chr15-71813466-TCCTCTGCTGGCACCGCCCGAGG-T. GRCh37 (hg19) VCF-style: chr15-72105806-TCCTCTGCTGGCACCGCCCGAGG-T.
Other names: c.835_856del, p.Ala279fs (NM_016346.4); short protein forms A279fs.
Identifiers: ClinVar variation 4075371 (VCV004075371.1).

ClinVar aggregate classification (germline): Uncertain significance (1 of 4 stars; one submission).

Conditions:
Retinitis pigmentosa (RP). Identifiers: Orphanet 791, MedGen C0035334, MeSH D012174, MONDO:0019200, OMIM 268000. Inheritance: Autosomal dominant, autosomal recessive and X linked inheritance.

Submission:

DNA-diagnostics Laboratory, Research Centre For Medical Genetics
Classification: Uncertain significance for Retinitis pigmentosa. Review status: criteria provided, single submitter. Criteria: ACMG Guidelines, 2015. Collection method: clinical testing. Allele origin: germline. Affected: yes. Observed: 1 heterozygote.
Comment: This variant is not present in population databases (gnomAD no frequency). This sequence change creates a premature translational stop signal (p.Ala279Profs*38) in NR2E3 gene. It is expected to result in an absent or disrupted protein product. Loss-of-function variants in NR2E3 are known to be pathogenic (PMID: 15459973, 27522502). Segregation analysis was not performed. Therefore, it has been classified as a Variant of Uncertain Significance.

Literature cited by the submitters: PubMed 15459973; PubMed 27522502.